The following is an entry in ClinVar:

NM_000434.4(NEU1):c.1088T>C (p.Leu363Pro)

Gene: NEU1 (neuraminidase 1; minus strand). Cytogenetic location: 6p21.33.
Variant type: single nucleotide variant.
Coding change: c.1088T>C on transcript NM_000434.4 (MANE Select); coding-DNA position 1088, T replaced by C.
Protein change: p.Leu363Pro; replaces leucine 363 with proline.
Molecular consequence: missense variant.
Genome position (GRCh38, 1-based): chr6:31,859,879, A>G on the plus strand (T>C on the coding strand, the complement: NEU1 is on the minus strand). VCF-style: chr6-31859879-A-G. GRCh37 (hg19) VCF-style: chr6-31827656-A-G.
Other names: L303P; short protein forms L363P.
Identifiers: ClinVar variation 2447 (VCV000002447.4), dbSNP rs193922915, ClinGen allele CA212559.

ClinVar aggregate classification (germline): Likely pathogenic. Review status: criteria provided, single submitter (1 of 4 stars). 2 submissions from 2 submitters: Likely pathogenic (1). 1 of the submissions does not count toward it. Last evaluated 2024-01-05.

Conditions:
Sialidosis type 2. Also called: NEURAMINIDASE DEFICIENCY; Mucolipidosis type 1; NEU 1 deficiency; CHERRY RED SPOT--MYOCLONUS SYNDROME; ML I; NEU DEFICIENCY. Identifiers: Orphanet 812, Orphanet 87876, MedGen C4282398, MONDO:0009738, OMIM 256550.

Allele frequency attached by ClinVar (database versions not stated): gnomAD exomes below 0.00001; TOPMed below 0.00001; gnomAD 0.00001.
gnomAD v4.1: 2 of 1,612,934 alleles (0.00012%); highest among the groups gnomAD compares: Non-Finnish European, 0.00017%; no homozygotes.

Submissions (2):

Labcorp Genetics (formerly Invitae), Labcorp
Classification: Likely pathogenic. Last evaluated: 2024-01-05. Review status: criteria provided, single submitter. Criteria: Invitae Variant Classification Sherloc (09022015). Collection method: clinical testing. Allele origin: germline.
Comment: This sequence change replaces leucine, which is neutral and non-polar, with proline, which is neutral and non-polar, at codon 363 of the NEU1 protein (p.Leu363Pro). This variant is not present in population databases (gnomAD no frequency). This missense change has been observed in individual(s) with sialidosis (PMID: 9054950). In at least one individual the data is consistent with being in trans (on the opposite chromosome) from a pathogenic variant. ClinVar contains an entry for this variant (Variation ID: 2447). Advanced modeling of protein sequence and biophysical properties (such as structural, functional, and spatial information, amino acid conservation, physicochemical variation, residue mobility, and thermodynamic stability) performed at Invitae indicates that this missense variant is not expected to disrupt NEU1 protein function with a negative predictive value of 80%. Experimental studies have shown that this missense change affects NEU1 function (PMID: 10767332, 11279074). In summary, the currently available evidence indicates that the variant is pathogenic, but additional data are needed to prove that conclusively. Therefore, this variant has been classified as Likely Pathogenic.

OMIM
Classification: Pathogenic for SIALIDOSIS, TYPE II. Last evaluated: 1997-03-01. Review status: no assertion criteria provided. Collection method: literature only. Allele origin: germline. Not counted in ClinVar's aggregate classification.

Literature cited by the submitters: PubMed 9054950 (cited by Labcorp Genetics (formerly Invitae), Labcorp and OMIM); PubMed 10767332 (cited by Labcorp Genetics (formerly Invitae), Labcorp); PubMed 11279074 (cited by Labcorp Genetics (formerly Invitae), Labcorp).